The following is an entry in ClinVar:

ClinVar aggregate classification (germline): Uncertain significance. Review status: criteria provided, multiple submitters, no conflicts (2 of 4 stars). 2 submissions from 2 submitters: Uncertain significance (2). Last evaluated 2024-09-09.

Conditions:
Carney-Stratakis syndrome. Also called: PARAGANGLIOMA AND GASTROINTESTINAL STROMAL TUMOR. Identifiers: Orphanet 97286, MedGen C1847319, MONDO:0011740, OMIM 606864.
Paragangliomas with sensorineural hearing loss. Identifiers: MedGen C1868633.
Pheochromocytoma. Also called: MAX-Related Hereditary Paraganglioma-Pheochromocytoma Syndrome. Identifiers: Orphanet 29072, MedGen C0031511, MONDO:0008233, OMIM 171300, HP:0002666.
Cowden syndrome 3 (CWS3). Identifiers: Orphanet 201, MedGen CN166604, MONDO:0014045.
Hereditary cancer-predisposing syndrome. Also called: Hereditary neoplastic syndrome; Hereditary Cancer Syndrome; Neoplastic Syndromes, Hereditary; Tumor predisposition. Identifiers: Orphanet 140162, MedGen C0027672, MeSH D009386, MONDO:0015356.

Allele frequency attached by ClinVar (database versions not stated): gnomAD exomes 0.00001; ExAC 0.00002.

Submissions (2):

Ambry Genetics
Classification: Uncertain significance for Hereditary cancer-predisposing syndrome. Last evaluated: 2024-09-09. Review status: criteria provided, single submitter. Criteria: Ambry Variant Classification Scheme 2023. Collection method: clinical testing. Allele origin: germline.
Comment: The p.K60N variant (also known as c.180G>T), located in coding exon 3 of the SDHD gene, results from a G to T substitution at nucleotide position 180. The lysine at codon 60 is replaced by asparagine, an amino acid with similar properties. Based on protein sequence alignment, this amino acid position is highly conserved in available vertebrate species. In addition, the in silico prediction for this alteration is inconclusive. Since supporting evidence is limited at this time, the clinical significance of this alteration remains unclear.

Labcorp Genetics (formerly Invitae), Labcorp
Classification: Uncertain significance for Carney-Stratakis syndrome; Paragangliomas with sensorineural hearing loss; Pheochromocytoma; Cowden syndrome 3. Last evaluated: 2024-04-14. Review status: criteria provided, single submitter. Criteria: Invitae Variant Classification Sherloc (09022015). Collection method: clinical testing. Allele origin: germline.
Comment: This sequence change replaces lysine, which is basic and polar, with asparagine, which is neutral and polar, at codon 60 of the SDHD protein (p.Lys60Asn). This variant is present in population databases (rs750688879, gnomAD 0.002%). This variant has not been reported in the literature in individuals affected with SDHD-related conditions. ClinVar contains an entry for this variant (Variation ID: 230319). Advanced modeling of protein sequence and biophysical properties (such as structural, functional, and spatial information, amino acid conservation, physicochemical variation, residue mobility, and thermodynamic stability) has been performed at Invitae for this missense variant, however the output from this modeling did not meet the statistical confidence thresholds required to predict the impact of this variant on SDHD protein function. In summary, the available evidence is currently insufficient to determine the role of this variant in disease. Therefore, it has been classified as a Variant of Uncertain Significance.

NM_003002.4(SDHD):c.180G>T (p.Lys60Asn)

Gene: SDHD (succinate dehydrogenase complex subunit D; plus strand). Cytogenetic location: 11q23.1.
Variant type: single nucleotide variant.
Coding change: c.180G>T on transcript NM_003002.4 (MANE Select); coding-DNA position 180, G replaced by T.
Protein change: p.Lys60Asn; replaces lysine 60 with asparagine.
Molecular consequence: missense variant. On other transcripts: non-coding transcript variant (1), intron variant (1).
Genome position (GRCh38, 1-based): chr11:112,088,877, G>T. VCF-style: chr11-112088877-G-T. GRCh37 (hg19) VCF-style: chr11-111959601-G-T.
Other names: c.63G>T, p.Lys21Asn (NM_001276504.2); c.180G>T, p.Lys60Asn (NM_001276506.2); c.169+904G>T (NM_001276503.2); short protein forms K60N, K21N.
Identifiers: ClinVar variation 230319 (VCV000230319.54), dbSNP rs750688879, ClinGen allele CA070805.